The following is an entry in ClinVar:

ClinVar aggregate classification (germline): Uncertain significance (1 of 4 stars; one submission).

Conditions:
Hereditary cancer-predisposing syndrome. Also called: Neoplastic Syndromes, Hereditary; Tumor predisposition; Hereditary Cancer Syndrome; Hereditary neoplastic syndrome. Identifiers: Orphanet 140162, MedGen C0027672, MeSH D009386, MONDO:0015356.

Submission:

Ambry Genetics
Classification: Uncertain significance for Hereditary cancer-predisposing syndrome. Last evaluated: 2024-07-27. Review status: criteria provided, single submitter. Criteria: Ambry Variant Classification Scheme 2023. Collection method: clinical testing. Allele origin: germline.
Comment: The p.I603S variant (also known as c.1808T>G), located in coding exon 17 of the POLE gene, results from a T to G substitution at nucleotide position 1808. The isoleucine at codon 603 is replaced by serine, an amino acid with dissimilar properties. This amino acid position is conserved. In addition, this alteration is predicted to be deleterious by in silico analysis. Based on the available evidence, the clinical significance of this variant remains unclear.

NM_006231.4(POLE):c.1808T>G (p.Ile603Ser)

Gene: POLE (DNA polymerase epsilon, catalytic subunit; minus strand). Cytogenetic location: 12q24.33.
Variant type: single nucleotide variant.
Coding change: c.1808T>G on transcript NM_006231.4 (MANE Select); coding-DNA position 1808, T replaced by G.
Protein change: p.Ile603Ser; replaces isoleucine 603 with serine.
Molecular consequence: missense variant.
Genome position (GRCh38, 1-based): chr12:132,668,926, A>C on the plus strand (T>G on the coding strand, the complement: POLE is on the minus strand). VCF-style: chr12-132668926-A-C. GRCh37 (hg19) VCF-style: chr12-133245512-A-C.
Other names: short protein forms I603S.
Identifiers: ClinVar variation 3422123 (VCV003422123.1).